The following is an entry in ClinVar:

NM_000051.4(ATM):c.5248T>C (p.Trp1750Arg)

Gene: ATM (ATM serine/threonine kinase; plus strand). Cytogenetic location: 11q22.3.
Variant type: single nucleotide variant.
Coding change: c.5248T>C on transcript NM_000051.4 (MANE Select); coding-DNA position 5248, T replaced by C.
Protein change: p.Trp1750Arg; replaces tryptophan 1750 with arginine.
Molecular consequence: missense variant.
Genome position (GRCh38, 1-based): chr11:108,301,718, T>C. VCF-style: chr11-108301718-T-C. GRCh37 (hg19) VCF-style: chr11-108172445-T-C.
Other names: c.5248T>C, p.Trp1750Arg (NM_001351834.2); short protein forms W1750R.
Identifiers: ClinVar variation 2747528 (VCV002747528.5), dbSNP rs2546973368, ClinGen allele CA382542459.

ClinVar aggregate classification (germline): Uncertain significance. Review status: criteria provided, single submitter (1 of 4 stars). 2 submissions from 2 submitters: Uncertain significance (1). 1 of the submissions does not count toward it. Last evaluated 2023-07-28.

Conditions:
ATM-related disorder. Also called: ATM-related disorders; ATM-related condition.
Ataxia-telangiectasia syndrome (AT). Also called: AT, COMPLEMENTATION GROUP C; Ataxia-telangiectasia, complementation group D; ATAXIA-TELANGIECTASIA, COMPLEMENTATION GROUP A; ATAXIA-TELANGIECTASIA, FRESNO VARIANT; Ataxia-telangiectasia; Ataxia telangiectasia (A-T). Identifiers: Orphanet 100, MedGen C0004135, MONDO:0008840, OMIM 208900.

Submissions (2):

Labcorp Genetics (formerly Invitae), Labcorp
Classification: Uncertain significance for Ataxia-telangiectasia syndrome. Last evaluated: 2023-07-28. Review status: criteria provided, single submitter. Criteria: Invitae Variant Classification Sherloc (09022015). Collection method: clinical testing. Allele origin: germline.
Comment: In summary, the available evidence is currently insufficient to determine the role of this variant in disease. Therefore, it has been classified as a Variant of Uncertain Significance. Algorithms developed to predict the effect of sequence changes on RNA splicing suggest that this variant may create or strengthen a splice site. An algorithm developed to predict the effect of missense changes on protein structure and function (PolyPhen-2) suggests that this variant is likely to be disruptive. This variant has not been reported in the literature in individuals affected with ATM-related conditions. This variant is not present in population databases (gnomAD no frequency). This sequence change replaces tryptophan, which is neutral and slightly polar, with arginine, which is basic and polar, at codon 1750 of the ATM protein (p.Trp1750Arg).

PreventionGenetics, part of Exact Sciences
Classification: Uncertain significance for ATM-related condition. Last evaluated: 2024-01-26. Review status: no assertion criteria provided. Collection method: clinical testing. Allele origin: germline. Not counted in ClinVar's aggregate classification.
Comment: The ATM c.5248T>C variant is predicted to result in the amino acid substitution p.Trp1750Arg. To our knowledge, this variant has not been reported in the literature or in a large population database, indicating this variant is rare. At this time, the clinical significance of this variant is uncertain due to the absence of conclusive functional and genetic evidence.